The following is an entry in ClinVar:

NM_000059.4(BRCA2):c.8530G>A (p.Glu2844Lys)

Gene: BRCA2 (BRCA2 DNA repair associated; plus strand). Cytogenetic location: 13q13.1.
Variant type: single nucleotide variant.
Coding change: c.8530G>A on transcript NM_000059.4 (MANE Select); coding-DNA position 8530, G replaced by A.
Protein change: p.Glu2844Lys; replaces glutamic acid 2844 with lysine.
Molecular consequence: missense variant.
Genome position (GRCh38, 1-based): chr13:32,370,998, G>A. VCF-style: chr13-32370998-G-A. GRCh37 (hg19) VCF-style: chr13-32945135-G-A.
Other names: short protein forms E2844K.
Identifiers: ClinVar variation 230489 (VCV000230489.31), dbSNP rs755783122, ClinGen allele CA6941257.

ClinVar aggregate classification (germline): Conflicting classifications of pathogenicity. Review status: criteria provided, conflicting classifications (1 of 4 stars). 9 submissions from 8 submitters: Uncertain significance (5); Likely benign (2). 2 of the submissions do not count toward it. Last evaluated 2025-11-14.

Conditions:
Hereditary cancer-predisposing syndrome. Also called: Hereditary Cancer Syndrome; Neoplastic Syndromes, Hereditary; Tumor predisposition; Hereditary neoplastic syndrome. Identifiers: Orphanet 140162, MedGen C0027672, MeSH D009386, MONDO:0015356.
Fanconi anemia complementation group D1. Also called: BRCA2-Related Fanconi Anemia. Identifiers: Orphanet 319462, MedGen C1838457, MONDO:0011584, OMIM 605724.
Breast-ovarian cancer, familial, susceptibility to, 2 (BROVCA2). Also called: BRCA2 Hereditary Breast and Ovarian Cancer. Identifiers: Orphanet 145, MedGen C2675520, MONDO:0012933, OMIM 612555. Disease mechanism: loss of function.
Hereditary breast ovarian cancer syndrome. Also called: Hereditary breast and/or ovarian cancer syndrome; BRCA1- and BRCA2-Associated Hereditary Breast and Ovarian Cancer; Hereditary breast and ovarian cancer syndrome (HBOC); Hereditary breast and ovarian cancer; Hereditary breast and ovarian cancer syndrome; Breast and ovarian cancer. Identifiers: Orphanet 145, MedGen C0677776, MeSH D061325, MONDO:0003582. Disease mechanism: loss of function.
Malignant tumor of breast. Also called: Malignant breast neoplasm; Cancer breast. Identifiers: MedGen C0006142, MONDO:0007254. Disease mechanism: loss of function.

Allele frequency attached by ClinVar (database versions not stated): gnomAD below 0.00001 and 0.00001; gnomAD exomes 0.00003 and 0.00006; ExAC 0.00006.
gnomAD v4.1: 49 of 1,613,992 alleles (0.003%); highest among the groups gnomAD compares: South Asian, 0.053%; 2 homozygotes.

Submissions (9):

Labcorp Genetics (formerly Invitae), Labcorp
Classification: Likely benign for Hereditary breast ovarian cancer syndrome. Last evaluated: 2025-11-14. Review status: criteria provided, single submitter. Criteria: Invitae Variant Classification Sherloc (09022015). Collection method: clinical testing. Allele origin: germline.

Quest Diagnostics Nichols Institute San Juan Capistrano
Classification: Uncertain significance. Last evaluated: 2025-03-11. Review status: criteria provided, single submitter. Criteria: Quest Diagnostics criteria. Collection method: clinical testing. Allele origin: unknown.
Comment: The BRCA2 c.8530G>A (p.Glu2844Lys) variant has been reported in the published literature in individuals with a personal and/or family history of breast and/or ovarian cancer (PMID: 39187384 (2024), 34101484 (2021), 33552952 (2020), 32885271 (2021), 29470806 (2018)), and in a reportedly healthy individual (PMID: 33471991 (2021)), see also LOVD). Functional studies demonstrated that this variant has an inconclusive effect on protein function (PMID: 39779848 (2025)). The frequency of this variant in the general population (Genome Aggregation Database) is higher than would generally be expected for pathogenic variants in this gene. Analysis of this variant using bioinformatics tools for the prediction of the effect of amino acid changes on protein structure and function yielded conflicting predictions that this variant is benign or damaging. Based on the available information, we are unable to determine the clinical significance of this variant.

Color Diagnostics, LLC DBA Color Health
Classification: Uncertain significance for Hereditary cancer-predisposing syndrome. Last evaluated: 2024-04-01. Review status: criteria provided, single submitter. Criteria: ACMG Guidelines, 2015. Collection method: clinical testing. Allele origin: germline.
Comment: This missense variant replaces glutamic acid with lysine at codon 2844 of the BRCA2 protein. Computational prediction suggests that this variant may not impact protein structure and function. To our knowledge, functional studies have not been reported for this variant. This variant has been observed in individuals affected with breast and/or ovarian cancer (PMID: 29470806, 33552952, 34101484) and in a breast cancer case-control meta-analysis in 1/53460 unaffected individuals and absent in 60466 cases (PMID: 33471991; Leiden Open Variation Database DB-ID BRCA2_008679). This variant has been identified in 14/251140 chromosomes in the general population by the Genome Aggregation Database (gnomAD). The available evidence is insufficient to determine the role of this variant in disease conclusively. Therefore, this variant is classified as a Variant of Uncertain Significance.

All of Us Research Program, National Institutes of Health
Classification: Uncertain significance for Breast-ovarian cancer, familial, susceptibility to, 2. Last evaluated: 2023-03-28. Review status: criteria provided, single submitter. Criteria: ACMG Guidelines, 2015. Collection method: clinical testing. Allele origin: germline. Inheritance: Autosomal dominant inheritance. Observed: 1 variant allele, 1 heterozygote.
Comment: This missense variant replaces glutamic acid with lysine at codon 2844 of the BRCA2 protein. Computational prediction suggests that this variant may not impact protein structure and function (internally defined REVEL score threshold <= 0.5, PMID: 27666373). To our knowledge, functional studies have not been reported for this variant. This variant has been observed in four individuals affected with breast and/or ovarian cancer (PMID: 29470806, 33552952) and in a breast cancer case-control meta-analysis in 1/53460 unaffected individuals and absent in 60466 cases (PMID: 33471991; Leiden Open Variation Database DB-ID BRCA2_008679). This variant has been identified in 14/251140 chromosomes in the general population by the Genome Aggregation Database (gnomAD). The available evidence is insufficient to determine the role of this variant in disease conclusively. Therefore, this variant is classified as a Variant of Uncertain Significance.

This study involves interpretation of variants in research participants for the purpose of population health screening. Participant phenotype was not available at the time of variant classification. Additional details can be found in publication PMID: 35346344, PMCID: PMC8962531

Ambry Genetics
Classification: Likely benign for Hereditary cancer-predisposing syndrome. Last evaluated: 2021-10-01. Review status: criteria provided, single submitter. Criteria: Ambry Variant Classification Scheme 2023. Collection method: clinical testing. Allele origin: germline.

Illumina Laboratory Services, Illumina
Classification: Uncertain significance for Breast-ovarian cancer, familial, susceptibility to, 2. Last evaluated: 2018-01-13. Review status: criteria provided, single submitter. Criteria: ICSL Variant Classification Criteria 13 December 2019. Collection method: clinical testing. Allele origin: germline.

Illumina Laboratory Services, Illumina
Classification: Uncertain significance for Fanconi anemia complementation group D1. Last evaluated: 2018-01-13. Review status: criteria provided, single submitter. Criteria: ICSL Variant Classification Criteria 13 December 2019. Collection method: clinical testing. Allele origin: germline.

Counsyl
Classification: Uncertain significance for Breast-ovarian cancer, familial, susceptibility to, 2. Last evaluated: 2017-06-02. Review status: no assertion criteria provided. Collection method: clinical testing. Allele origin: unknown. Not counted in ClinVar's aggregate classification.

Department of Pathology and Laboratory Medicine, Sinai Health System
Classification: Uncertain significance for Malignant tumor of breast. Review status: no assertion criteria provided. Collection method: clinical testing. Allele origin: unknown. Affected: yes. Study: The Canadian Open Genetics Repository (COGR). Not counted in ClinVar's aggregate classification.
Comment: The BRCA2 p.Glu2844Lys variant was not identified in the literature nor was it identified in the LOVD 3.0 or UMD-LSDB databases. The variant was identified in dbSNP (ID: rs755783122) as "With Uncertain significance allele", ClinVar (classified as uncertain significance by Ambry Genetics, Invitae, Counsyl, Color, COGR and Illumina). The variant was also identified by our laboratory in 3 individuals with breast cancer. The variant was identified in control databases in 14 of 245874 chromosomes (1 homozygous) at a frequency of 0.00006 (Genome Aggregation Database Feb 27, 2017). The variant was observed in the following populations: and South Asian in 14 of 30780 chromosomes (freq: 0.0005), while the variant was not observed in the African, Other, Latino, European Non-Finnish, Ashkenazi Jewish, East Asian, or European Finnish populations. The p.Glu2844 residue is conserved in mammals but not in more distantly related organisms however four out of five computational analyses (PolyPhen-2, SIFT, AlignGVGD, BLOSUM, MutationTaster) do not suggest a high likelihood of impact to the protein; this information is not predictive enough to rule out pathogenicity. The variant occurs outside of the splicing consensus sequence and in silico or computational prediction software programs (SpliceSiteFinder, MaxEntScan, NNSPLICE, GeneSplicer) do not predict a difference in splicing. In summary, based on the above information the clinical significance of this variant cannot be determined with certainty at this time. This variant is classified as a variant of uncertain significance.

Literature cited by the submitters: PubMed 34101484 (cited by 3 submitters); PubMed 33552952 (cited by 4 submitters); PubMed 33471991 (cited by 4 submitters); PubMed 32885271 (cited by Quest Diagnostics Nichols Institute San Juan Capistrano and Ambry Genetics); PubMed 29470806 (cited by 4 submitters); PubMed 39187384 (cited by Quest Diagnostics Nichols Institute San Juan Capistrano); PubMed 39779848 (cited by Quest Diagnostics Nichols Institute San Juan Capistrano).